The following is an entry in ClinVar:

ClinVar aggregate classification (germline): Pathogenic (1 of 4 stars; one submission).

Conditions:
46 XY differences of sex development. Also called: 46, XY disorder of sex development (DSD); 46,XY disorder of sex development. Identifiers: Orphanet 98085, MedGen C2751824, MONDO:0020040.
Oligosynaptic infertility (SPGF1). Also called: SPERMATOGENIC FAILURE 1; OLIGOCHIASMATIC INFERTILITY. Identifiers: MedGen C0403810, MONDO:0009776, OMIM 258150.

Submission:

Labcorp Genetics (formerly Invitae), Labcorp
Classification: Pathogenic for 46 XY differences of sex development; Oligosynaptic infertility. Last evaluated: 2023-06-06. Review status: criteria provided, single submitter. Criteria: Invitae Variant Classification Sherloc (09022015). Collection method: clinical testing. Allele origin: unknown.
Comment: This variant results in the deletion of exons 2-3 and part of exon 4 (c.-16055_790delins23) of the NR5A1 gene. It is expected to result in an absent or disrupted protein product. Loss-of-function variants in NR5A1 are known to be pathogenic (PMID: 10369247, 12907682, 19246354). The 5‚Äô boundary extends beyond the assayed region for this gene. For these reasons, this variant has been classified as Pathogenic. This variant has not been reported in the literature in individuals affected with NR5A1-related conditions.

Literature cited by the submitters: PubMed 10369247; PubMed 12907682; PubMed 19246354.

NC_000009.11:g.(?_127262449)_(127265674_?)del

Gene: NR5A1 (nuclear receptor subfamily 5 group A member 1; minus strand). Cytogenetic location: 9q33.3.
Variant type: Deletion.
Identifiers: ClinVar variation 3245237 (VCV003245237.1).